The following is an entry in ClinVar:

NM_000218.3(KCNQ1):c.64G>T (p.Gly22Cys)

Gene: KCNQ1 (potassium voltage-gated channel subfamily Q member 1; plus strand). Cytogenetic location: 11p15.5.
Variant type: single nucleotide variant.
Coding change: c.64G>T on transcript NM_000218.3 (MANE Select); coding-DNA position 64, G replaced by T.
Protein change: p.Gly22Cys; replaces glycine 22 with cysteine.
Molecular consequence: missense variant.
Genome position (GRCh38, 1-based): chr11:2,445,162, G>T. VCF-style: chr11-2445162-G-T. GRCh37 (hg19) VCF-style: chr11-2466392-G-T.
Other names: c.64G>T, p.Gly22Cys (NM_001406836.1, NM_001406838.1); c.-299G>T (NM_001406837.1); short protein forms G22C.
Identifiers: ClinVar variation 2420527 (VCV002420527.5), dbSNP rs794728545, ClinGen allele CA379115989.

ClinVar aggregate classification (germline): Uncertain significance (1 of 4 stars; one submission).

Conditions:
Long QT syndrome (LQTS). Identifiers: MedGen C0023976, MeSH D008133, MONDO:0002442. Disease mechanism: loss of function. Inheritance: Various modes of inheritance.

Submission:

Labcorp Genetics (formerly Invitae), Labcorp
Classification: Uncertain significance for Long QT syndrome. Last evaluated: 2025-12-21. Review status: criteria provided, single submitter. Criteria: Invitae Variant Classification Sherloc (09022015). Collection method: clinical testing. Allele origin: germline.
Comment: This sequence change replaces glycine, which is neutral and non-polar, with cysteine, which is neutral and slightly polar, at codon 22 of the KCNQ1 protein (p.Gly22Cys). This variant is not present in population databases (gnomAD no frequency). This variant has not been reported in the literature in individuals affected with KCNQ1-related conditions. ClinVar contains an entry for this variant (Variation ID: 2420527). Invitae Evidence Modeling of protein sequence and biophysical properties (such as structural, functional, and spatial information, amino acid conservation, physicochemical variation, residue mobility, and thermodynamic stability) indicates that this missense variant is not expected to disrupt KCNQ1 protein function with a negative predictive value of 95%. In summary, the available evidence is currently insufficient to determine the role of this variant in disease. Therefore, it has been classified as a Variant of Uncertain Significance.